The following is an entry in ClinVar:

ClinVar aggregate classification (germline): Uncertain significance (1 of 4 stars; one submission).

Allele frequency attached by ClinVar (database versions not stated): ExAC 0.00002; TOPMed 0.00006; gnomAD exomes 0.00002; gnomAD 0.00009.

Submission:

Labcorp Genetics (formerly Invitae), Labcorp
Classification: Uncertain significance. Last evaluated: 2025-05-06. Review status: criteria provided, single submitter. Criteria: Invitae Variant Classification Sherloc (09022015). Collection method: clinical testing. Allele origin: germline.
Comment: This sequence change replaces alanine, which is neutral and non-polar, with threonine, which is neutral and polar, at codon 461 of the SERPING1 protein (p.Ala461Thr). This variant is present in population databases (rs774928269, gnomAD 0.02%). This variant has not been reported in the literature in individuals affected with SERPING1-related conditions. ClinVar contains an entry for this variant (Variation ID: 2763455). An algorithm developed to predict the effect of missense changes on protein structure and function outputs the following: PolyPhen-2: "Benign". The threonine amino acid residue is found in multiple mammalian species, which suggests that this missense change does not adversely affect protein function. This variant disrupts the p.Ala461 amino acid residue in SERPING1. Other variant(s) that disrupt this residue have been observed in individuals with SERPING1-related conditions (PMID: 9069585, 20804470), which suggests that this may be a clinically significant amino acid residue. In summary, the available evidence is currently insufficient to determine the role of this variant in disease. Therefore, it has been classified as a Variant of Uncertain Significance.

Literature cited by the submitters: PubMed 9069585; PubMed 20804470.

NM_000062.3(SERPING1):c.1381G>A (p.Ala461Thr)

Gene: SERPING1 (serpin family G member 1; plus strand). Cytogenetic location: 11q12.1.
Variant type: single nucleotide variant.
Coding change: c.1381G>A on transcript NM_000062.3 (MANE Select); coding-DNA position 1381, G replaced by A.
Protein change: p.Ala461Thr; replaces alanine 461 with threonine.
Molecular consequence: missense variant.
Genome position (GRCh38, 1-based): chr11:57,614,459, G>A. VCF-style: chr11-57614459-G-A. GRCh37 (hg19) VCF-style: chr11-57381932-G-A.
Other names: c.1381G>A, p.Ala461Thr (NM_001032295.2); short protein forms A461T.
Identifiers: ClinVar variation 2763455 (VCV002763455.3), dbSNP rs774928269, ClinGen allele CA6008283.
Genomic context (GRCh38, chr11:57,614,459, plus strand): 5'-ATGCAGCACCAGACAGTGCTGGAACTGACAGAGACTGGGGTGGAGGCGGCTGCAGCCTCC[G>A]CCATCTCTGTGGCCCGCACCCTGCTGGTCTTTGAAGTGCAGCAGCCCTTCCTCTTCGTGC-3'
Protein context (NP_000053.2, residues 451-471): ETGVEAAAAS[Ala461Thr]ISVARTLLVF